The following is an entry in ClinVar:

ClinVar aggregate classification (germline): Pathogenic/Likely pathogenic. Review status: criteria provided, multiple submitters, no conflicts (2 of 4 stars). 2 submissions from 2 submitters: Pathogenic (1); Likely pathogenic (1). Last evaluated 2023-11-17.

Conditions:
Joubert syndrome and related disorders. Identifiers: Orphanet 140874, MedGen C5679612, MONDO:0015369.

gnomAD v4.1: 1 of 1,501,742 alleles (0.000067%); no homozygotes.

Submissions (2):

Women's Health and Genetics/Laboratory Corporation of America, LabCorp
Classification: Likely pathogenic for Joubert syndrome and related disorders. Last evaluated: 2023-11-17. Review status: criteria provided, single submitter. Criteria: LabCorp Variant Classification Summary - May 2015. Collection method: clinical testing. Allele origin: germline.
Comment: Variant summary: KIAA0586 c.1521+2T>C is located in a canonical splice-site and is predicted to affect mRNA splicing resulting in a significantly altered protein due to either exon skipping, shortening, or inclusion of intronic material. Several computational tools predict a significant impact on normal splicing: Three predict the variant abolishes a 5' splicing donor site, whereas one predicts no significant impact on splicing. However, these predictions have yet to be confirmed by functional studies. The variant was absent in 193074 control chromosomes. To our knowledge, no occurrence of c.1521+2T>C in individuals affected with Joubert Syndrome And Related Disorders and no experimental evidence demonstrating its impact on protein function have been reported. One submitter has cited clinical-significance assessments for this variant to ClinVar after 2014 and has classified the variant as pathogenic. Based on the evidence outlined above, the variant was classified as likely pathogenic.

CeGaT Center for Human Genetics Tuebingen
Classification: Pathogenic. Last evaluated: 2019-11-01. Review status: criteria provided, single submitter. Criteria: CeGaT Center For Human Genetics Tuebingen Variant Classification Criteria Version 2. Collection method: clinical testing. Allele origin: germline. Affected: yes. Observed: 3 variant alleles.

NM_001329943.3(KIAA0586):c.1362+2T>C

Gene: KIAA0586 (KIAA0586; plus strand). Cytogenetic location: 14q23.1.
Variant type: single nucleotide variant.
Coding change: c.1362+2T>C on transcript NM_001329943.3 (MANE Select); the canonical splice donor site of the intron after coding-DNA position 1362, T replaced by C.
Molecular consequence: splice donor variant.
Genome position (GRCh38, 1-based): chr14:58,456,812, T>C. VCF-style: chr14-58456812-T-C. GRCh37 (hg19) VCF-style: chr14-58923530-T-C.
Other names: c.1521+2T>C (NM_001244189.2); c.1317+2T>C (NM_001244190.2); c.1230+2T>C (NM_001244192.2); c.1107+2T>C (NM_001244191.2, NM_001364701.2, NM_001329945.2 and 1 more transcripts); c.1362+2T>C (NM_001329944.2, NM_001329946.2, NM_001329947.2 and 1 more transcripts); c.942+2T>C (NM_001244193.2).
Identifiers: ClinVar variation 871222 (VCV000871222.42), dbSNP rs901508284, ClinGen allele CA261623540.
Genomic context (GRCh38, chr14:58,456,812, plus strand): 5'-CTGATGATGTTCTTCATGACCTTGGCCAAAAAGAGAAAGAAACAAATAGCATGGTCCAGG[T>C]AAAGTGGGAATGGTCTTAAAATTGATGATTAGTTAAGATAAAAATTAAAAAGGAATAAAA-3'